The following is an entry in ClinVar:

NM_006231.4(POLE):c.5920G>T (p.Asp1974Tyr)

Gene: POLE (DNA polymerase epsilon, catalytic subunit; minus strand). Cytogenetic location: 12q24.33.
Variant type: single nucleotide variant.
Coding change: c.5920G>T on transcript NM_006231.4 (MANE Select); coding-DNA position 5920, G replaced by T.
Protein change: p.Asp1974Tyr; replaces aspartic acid 1974 with tyrosine.
Molecular consequence: missense variant.
Genome position (GRCh38, 1-based): chr12:132,634,270, C>A on the plus strand (G>T on the coding strand, the complement: POLE is on the minus strand). VCF-style: chr12-132634270-C-A. GRCh37 (hg19) VCF-style: chr12-133210856-C-A.
Other names: short protein forms D1974Y.
Identifiers: ClinVar variation 473775 (VCV000473775.9), dbSNP rs1555221203, ClinGen allele CA387371592.

ClinVar aggregate classification (germline): Uncertain significance (1 of 4 stars; one submission).

Submission:

Labcorp Genetics (formerly Invitae), Labcorp
Classification: Uncertain significance. Last evaluated: 2021-08-10. Review status: criteria provided, single submitter. Criteria: Invitae Variant Classification Sherloc (09022015). Collection method: clinical testing. Allele origin: germline.
Comment: In summary, the available evidence is currently insufficient to determine the role of this variant in disease. Therefore, it has been classified as a Variant of Uncertain Significance. Algorithms developed to predict the effect of missense changes on protein structure and function are either unavailable or do not agree on the potential impact of this missense change (SIFT: "Deleterious"; PolyPhen-2: "Benign"; Align-GVGD: "Class C0"). ClinVar contains an entry for this variant (Variation ID: 473775). This variant has not been reported in the literature in individuals affected with POLE-related conditions. This variant is not present in population databases (ExAC no frequency). This sequence change replaces aspartic acid with tyrosine at codon 1974 of the POLE protein (p.Asp1974Tyr). The aspartic acid residue is weakly conserved and there is a large physicochemical difference between aspartic acid and tyrosine.